The following is an entry in ClinVar:

ClinVar aggregate classification (germline): Uncertain significance. Review status: criteria provided, multiple submitters, no conflicts (2 of 4 stars). 3 submissions from 3 submitters: Uncertain significance (3). Last evaluated 2024-11-04.

Conditions:
Fanconi anemia complementation group P. Also called: SLX4-Related Fanconi Anemia. Identifiers: Orphanet 84, MedGen C3469542, MONDO:0013499, OMIM 613951.
Fanconi anemia (FA). Also called: Fanconi's anemia. Identifiers: Orphanet 84, MedGen C0015625, MeSH D005199, MONDO:0019391.

Allele frequency attached by ClinVar (database versions not stated): gnomAD exomes below 0.00001 and 0.00001; gnomAD 0.00001; ExAC 0.00002.
gnomAD v4.1: 3 of 1,606,038 alleles (0.00019%); highest among the groups gnomAD compares: African/African-American, 0.004%; no homozygotes.

Submissions (3):

Labcorp Genetics (formerly Invitae), Labcorp
Classification: Uncertain significance for Fanconi anemia. Last evaluated: 2024-11-04. Review status: criteria provided, single submitter. Criteria: Invitae Variant Classification Sherloc (09022015). Collection method: clinical testing. Allele origin: germline.
Comment: This sequence change replaces threonine, which is neutral and polar, with proline, which is neutral and non-polar, at codon 547 of the SLX4 protein (p.Thr547Pro). This variant is present in population databases (rs781416857, gnomAD 0.01%). This variant has not been reported in the literature in individuals affected with SLX4-related conditions. ClinVar contains an entry for this variant (Variation ID: 1478829). An algorithm developed to predict the effect of missense changes on protein structure and function (PolyPhen-2) suggests that this variant is likely to be tolerated. In summary, the available evidence is currently insufficient to determine the role of this variant in disease. Therefore, it has been classified as a Variant of Uncertain Significance.

Fulgent Genetics
Classification: Uncertain significance for Fanconi anemia complementation group P. Last evaluated: 2024-01-16. Review status: criteria provided, single submitter. Criteria: ACMG Guidelines, 2015. Collection method: clinical testing. Allele origin: germline.

Genetic Services Laboratory, University of Chicago
Classification: Uncertain significance. Last evaluated: 2023-04-28. Review status: criteria provided, single submitter. Criteria: ACMG Guidelines, 2015. Collection method: clinical testing. Allele origin: germline. Affected: no.
Comment: DNA sequence analysis of the SLX4 gene demonstrated a sequence change, c.1639A>C, in exon 7 that results in an amino acid change, p.Thr547Pro. This sequence change does not appear to have been previously described in individuals with SLX4-related disorders. This sequence change has been described in the gnomAD database with a frequency of 0.001% in the overall population (dbSNP rs781416857). The p.Thr547Pro change affects a moderately conserved amino acid residue located in a domain of the SLX4 protein that is not known to be functional. In-silico pathogenicity prediction tools (SIFT, PolyPhen2, Align GVGD, REVEL) provide contradictory results for the p.Thr547Pro substitution. Due to insufficient evidences and the lack of functional studies, the clinical significance of the p.Thr547Pro change remains unknown at this time.

NM_032444.4(SLX4):c.1639A>C (p.Thr547Pro)

Gene: SLX4 (SLX4 structure-specific endonuclease subunit; minus strand). Cytogenetic location: 16p13.3.
Variant type: single nucleotide variant.
Coding change: c.1639A>C on transcript NM_032444.4 (MANE Select); coding-DNA position 1639, A replaced by C.
Protein change: p.Thr547Pro; replaces threonine 547 with proline.
Molecular consequence: missense variant.
Genome position (GRCh38, 1-based): chr16:3,597,423, T>G on the plus strand (A>C on the coding strand, the complement: SLX4 is on the minus strand). VCF-style: chr16-3597423-T-G. GRCh37 (hg19) VCF-style: chr16-3647424-T-G.
Other names: c.1639A>C (NM_032444.3); short protein forms T547P.
Identifiers: ClinVar variation 1478829 (VCV001478829.12), dbSNP rs781416857, ClinGen allele CA7866467.